The following is an entry in ClinVar:

NM_000368.5(TSC1):c.211-11dup

Gene: TSC1 (TSC complex subunit 1; minus strand). Cytogenetic location: 9q34.13.
Variant type: Duplication.
Coding change: c.211-11dup on transcript NM_000368.5 (MANE Select); 11 bases into the intron before coding-DNA position 211, one base duplicated (T; older notation c.211-11dupT).
Molecular consequence: intron variant.
Genome position (GRCh38, 1-based): chr9:132,925,750, A duplicated on the plus strand (T on the coding strand, the reverse complement: TSC1 is on the minus strand); the first of 4 consecutive A bases (chr9:132,925,750-132,925,753); duplicating any one gives the same sequence. VCF-style (leftmost placement, unchanged base first): chr9-132925749-T-TA. GRCh37 (hg19) VCF-style: chr9-135801136-T-TA.
Other names: c.211-11dupT (NM_000368.4); c.-153-11dup (NM_001362177.2); c.210+1451dup (NM_001162427.2); c.211-11dup (NM_001162426.2).
Identifiers: ClinVar variation 64702 (VCV000064702.17), dbSNP rs397514775, ClinGen allele CA264242.

ClinVar aggregate classification (germline): Benign/Likely benign. Review status: criteria provided, multiple submitters, no conflicts (2 of 4 stars). 9 submissions from 9 submitters: Benign (1); Likely benign (5). 3 of the submissions do not count toward it. Last evaluated 2025-12-20.

Conditions:
Hereditary cancer-predisposing syndrome. Also called: Tumor predisposition; Neoplastic Syndromes, Hereditary; Hereditary neoplastic syndrome; Hereditary Cancer Syndrome. Identifiers: Orphanet 140162, MedGen C0027672, MeSH D009386, MONDO:0015356.
Tuberous sclerosis syndrome (TSC). Also called: Tuberous Sclerosis Complex; Tuberous sclerosis. Identifiers: Orphanet 805, MedGen C0041341, MONDO:0001734.
Tuberous sclerosis 1 (TSC1). Identifiers: Orphanet 805, MedGen C1854465, MONDO:0008612, OMIM 191100.

Submissions (9):

Labcorp Genetics (formerly Invitae), Labcorp
Classification: Benign for Tuberous sclerosis 1. Last evaluated: 2025-12-20. Review status: criteria provided, single submitter. Criteria: Invitae Variant Classification Sherloc (09022015). Collection method: clinical testing. Allele origin: germline.

Myriad Genetics, Inc.
Classification: Likely benign for Tuberous sclerosis 1. Last evaluated: 2025-04-07. Review status: criteria provided, single submitter. Criteria: Myriad Autosomal Dominant, Autosomal Recessive and X-Linked Classification Criteria (2023). Collection method: clinical testing. Allele origin: unknown.
Comment: This variant is considered likely benign. This variant is intronic and is not expected to impact mRNA splicing.

Blueprint Genetics
Classification: Likely benign. Last evaluated: 2023-05-09. Review status: criteria provided, single submitter. Criteria: ACMG Guidelines, 2015. Collection method: clinical testing. Allele origin: germline.

Color Diagnostics, LLC DBA Color Health
Classification: Likely benign for Tuberous sclerosis syndrome. Last evaluated: 2022-05-17. Review status: criteria provided, single submitter. Criteria: ACMG Guidelines, 2015. Collection method: clinical testing. Allele origin: germline.

Sema4
Classification: Likely benign for Hereditary cancer-predisposing syndrome. Last evaluated: 2021-08-12. Review status: criteria provided, single submitter. Criteria: Sema4 Curation Guidelines. Collection method: curation. Allele origin: germline.

GeneDx
Classification: Likely benign. Last evaluated: 2020-10-19. Review status: criteria provided, single submitter. Criteria: GeneDx Variant Classification Process June 2021. Collection method: clinical testing. Allele origin: germline. Affected: yes.

Clinical Genetics DNA and cytogenetics Diagnostics Lab, Erasmus MC, Erasmus Medical Center
Classification: Benign. Review status: no assertion criteria provided. Collection method: clinical testing. Allele origin: germline. Affected: yes. Study: VKGL Data-share Consensus. Not counted in ClinVar's aggregate classification.

Clinical Genetics, Academic Medical Center
Classification: Likely benign. Review status: no assertion criteria provided. Collection method: clinical testing. Allele origin: germline. Affected: yes. Study: VKGL Data-share Consensus. Not counted in ClinVar's aggregate classification.

Tuberous sclerosis database (TSC1)
No classification provided. Condition: TSC. Review status: no classification provided. Criteria: Tuberous Sclerosis Database Assertion Criteria 2015. Collection method: curation. Allele origin: germline. Affected: yes. Not counted in ClinVar's aggregate classification.